The following is an entry in ClinVar:

NM_001194998.2(CEP152):c.1696C>T (p.Gln566Ter)

Gene: CEP152 (centrosomal protein 152; minus strand). Cytogenetic location: 15q21.1.
Variant type: single nucleotide variant.
Coding change: c.1696C>T on transcript NM_001194998.2 (MANE Select); coding-DNA position 1696, C replaced by T.
Protein change: p.Gln566Ter; replaces glutamine 566 with a stop codon.
Molecular consequence: nonsense.
Genome position (GRCh38, 1-based): chr15:48,772,573, G>A on the plus strand (C>T on the coding strand, the complement: CEP152 is on the minus strand). VCF-style: chr15-48772573-G-A. GRCh37 (hg19) VCF-style: chr15-49064770-G-A.
Other names: c.1696C>T, p.Gln566Ter (NM_014985.4); short protein forms Q566*.
Identifiers: ClinVar variation 2692974 (VCV002692974.3), dbSNP rs2504743262, ClinGen allele CA392351581.

ClinVar aggregate classification (germline): Pathogenic (1 of 4 stars; one submission).

Submission:

Labcorp Genetics (formerly Invitae), Labcorp
Classification: Pathogenic. Last evaluated: 2023-11-03. Review status: criteria provided, single submitter. Criteria: Invitae Variant Classification Sherloc (09022015). Collection method: clinical testing. Allele origin: germline.
Comment: This sequence change creates a premature translational stop signal (p.Gln566*) in the CEP152 gene. It is expected to result in an absent or disrupted protein product. Loss-of-function variants in CEP152 are known to be pathogenic (PMID: 21131973). This variant is not present in population databases (gnomAD no frequency). This variant has not been reported in the literature in individuals affected with CEP152-related conditions. For these reasons, this variant has been classified as Pathogenic.

Literature cited by the submitters: PubMed 21131973.